The following is an entry in ClinVar:

NM_004069.6(AP2S1):c.172A>G (p.Ile58Val)

Gene: AP2S1 (adaptor related protein complex 2 subunit sigma 1; minus strand). Cytogenetic location: 19q13.32.
Variant type: single nucleotide variant.
Coding change: c.172A>G on transcript NM_004069.6 (MANE Select); coding-DNA position 172, A replaced by G.
Protein change: p.Ile58Val; replaces isoleucine 58 with valine.
Molecular consequence: missense variant. On other transcripts: intron variant (1).
Genome position (GRCh38, 1-based): chr19:46,839,560, T>C on the plus strand (A>G on the coding strand, the complement: AP2S1 is on the minus strand). VCF-style: chr19-46839560-T-C. GRCh37 (hg19) VCF-style: chr19-47342817-T-C.
Other names: c.220A>G, p.Ile74Val (NM_001301076.3); c.214A>G, p.Ile72Val (NM_001301078.3); c.178A>G, p.Ile60Val (NM_001301081.3); c.154-761A>G (NM_021575.5); short protein forms I58V, I60V, I72V, I74V.
Identifiers: ClinVar variation 4689450 (VCV004689450.1).

ClinVar aggregate classification (germline): Uncertain significance (1 of 4 stars; one submission).

Submission:

Women's Health and Genetics/Laboratory Corporation of America, LabCorp
Classification: Uncertain significance. Last evaluated: 2026-01-12. Review status: criteria provided, single submitter. Criteria: LabCorp Variant Classification Summary - May 2015. Collection method: clinical testing. Allele origin: germline.
Comment: Variant summary: AP2S1 c.172A>G (p.Ile58Val) results in a conservative amino acid change in the encoded protein sequence. Algorithms developed to predict the effect of missense changes on protein structure and function are either unavailable or do not agree on the potential impact of this missense change. The variant was absent in 251492 control chromosomes. The available data on variant occurrences in the general population are insufficient to allow any conclusion about variant significance. To our knowledge, no occurrence of c.172A>G in individuals affected with AP2S1-related conditions and no experimental evidence demonstrating its impact on protein function have been reported. No submitters have cited clinical-significance assessments for this variant to ClinVar. Based on the evidence outlined above, the variant was classified as uncertain significance.